The following is an entry in ClinVar:

NM_004426.3(PHC1):c.2781C>T (p.Gly927=)

Gene: PHC1 (polyhomeotic homolog 1; plus strand). Cytogenetic location: 12p13.31.
Variant type: single nucleotide variant.
Coding change: c.2781C>T on transcript NM_004426.3 (MANE Select); coding-DNA position 2781, C replaced by T.
Protein change: p.Gly927=; no amino-acid change (glycine 927 retained).
Molecular consequence: synonymous variant. On other transcripts: non-coding transcript variant (1).
Genome position (GRCh38, 1-based): chr12:8,937,981, C>T. VCF-style: chr12-8937981-C-T. GRCh37 (hg19) VCF-style: chr12-9090577-C-T.
Other names: c.2781C>T, p.Gly927= (NM_001413738.1); c.2775C>T, p.Gly925= (NM_001413739.1); c.2757C>T, p.Gly919= (NM_001413740.1); c.2670C>T, p.Gly890= (NM_001413741.1); c.2625C>T, p.Gly875= (NM_001413742.1, NM_001413743.1); c.2406C>T, p.Gly802= (NM_001413744.1); c.2358C>T, p.Gly786= (NM_001413745.1); c.2340C>T, p.Gly780= (NM_001413746.1); and 6 more.
Identifiers: ClinVar variation 3050067 (VCV003050067.2), dbSNP rs1945888744, ClinGen allele CA478531284.

ClinVar aggregate classification (germline): Likely benign (0 of 4 stars; one submission).

Conditions:
PHC1-related disorder. Also called: PHC1-related condition.

Allele frequency attached by ClinVar (database versions not stated): gnomAD exomes below 0.00001; TOPMed below 0.00001; gnomAD 0.00001.
gnomAD v4.1: 5 of 1,604,214 alleles (0.00031%); highest among the groups gnomAD compares: African/African-American, 0.0053%; no homozygotes.

Submission:

PreventionGenetics, part of Exact Sciences
Classification: Likely benign for PHC1-related condition. Last evaluated: 2019-07-18. Review status: no assertion criteria provided. Collection method: clinical testing. Allele origin: germline.
Comment: This variant is classified as likely benign based on ACMG/AMP sequence variant interpretation guidelines (Richards et al. 2015 PMID: 25741868, with internal and published modifications).